The following is an entry in ClinVar:

ClinVar aggregate classification (germline): Uncertain significance. Review status: criteria provided, multiple submitters, no conflicts (2 of 4 stars). 2 submissions from 2 submitters: Uncertain significance (2). Last evaluated 2022-08-12.

Conditions:
Charcot-Marie-Tooth disease type 2. Also called: Charcot-Marie-Tooth type 2. Identifiers: Orphanet 64746, MedGen C0270914, MONDO:0018993.

gnomAD v4.1: 14 of 1,614,042 alleles (0.00087%); highest among the groups gnomAD compares: Non-Finnish European, 0.0012%; no homozygotes.

Submissions (2):

GeneDx
Classification: Uncertain significance. Last evaluated: 2022-08-12. Review status: criteria provided, single submitter. Criteria: GeneDx Variant Classification Process June 2021. Collection method: clinical testing. Allele origin: germline. Affected: yes.
Comment: Not observed at significant frequency in large population cohorts (gnomAD); In silico analysis supports that this missense variant has a deleterious effect on protein structure/function; Has not been previously published as pathogenic or benign to our knowledge; This variant is associated with the following publications: (PMID: 26503042, 26138142, 25168514)

Labcorp Genetics (formerly Invitae), Labcorp
Classification: Uncertain significance for Charcot-Marie-Tooth disease type 2. Last evaluated: 2021-03-11. Review status: criteria provided, single submitter. Criteria: Invitae Variant Classification Sherloc (09022015). Collection method: clinical testing. Allele origin: germline.
Comment: In summary, the available evidence is currently insufficient to determine the role of this variant in disease. Therefore, it has been classified as a Variant of Uncertain Significance. Algorithms developed to predict the effect of missense changes on protein structure and function (SIFT, PolyPhen-2, Align-GVGD) all suggest that this variant is likely to be disruptive, but these predictions have not been confirmed by published functional studies and their clinical significance is uncertain. This variant has not been reported in the literature in individuals with GARS-related conditions. This variant is not present in population databases (ExAC no frequency). This sequence change replaces glycine with alanine at codon 460 of the GARS protein (p.Gly460Ala). The glycine residue is highly conserved and there is a small physicochemical difference between glycine and alanine.

NM_002047.4(GARS1):c.1379G>C (p.Gly460Ala)

Gene: GARS1 (glycyl-tRNA synthetase 1; plus strand). Cytogenetic location: 7p14.3.
Variant type: single nucleotide variant.
Coding change: c.1379G>C on transcript NM_002047.4 (MANE Select); coding-DNA position 1379, G replaced by C.
Protein change: p.Gly460Ala; replaces glycine 460 with alanine.
Molecular consequence: missense variant.
Genome position (GRCh38, 1-based): chr7:30,621,412, G>C. VCF-style: chr7-30621412-G-C. GRCh37 (hg19) VCF-style: chr7-30661028-G-C.
Other names: c.1217G>C, p.Gly406Ala (NM_001316772.1); c.1379G>C (NM_002047.2); short protein forms G406A, G460A.
Identifiers: ClinVar variation 1680934 (VCV001680934.8), dbSNP rs924595179, ClinGen allele CA156054865.